The following is an entry in ClinVar:

NM_144997.7(FLCN):c.1269C>A (p.His423Gln)

Gene: FLCN (folliculin; minus strand). Cytogenetic location: 17p11.2.
Variant type: single nucleotide variant.
Coding change: c.1269C>A on transcript NM_144997.7 (MANE Select); coding-DNA position 1269, C replaced by A.
Protein change: p.His423Gln; replaces histidine 423 with glutamine.
Molecular consequence: missense variant.
Genome position (GRCh38, 1-based): chr17:17,216,411, G>T on the plus strand (C>A on the coding strand, the complement: FLCN is on the minus strand). VCF-style: chr17-17216411-G-T. GRCh37 (hg19) VCF-style: chr17-17119725-G-T.
Other names: c.1323C>A, p.His441Gln (NM_001353229.2); c.1269C>A, p.His423Gln (NM_001353230.2, NM_001353231.2); short protein forms H423Q, H441Q.
Identifiers: ClinVar variation 4798502 (VCV004798502.2).

ClinVar aggregate classification (germline): Uncertain significance. Review status: criteria provided, multiple submitters, no conflicts (2 of 4 stars). 2 submissions from 2 submitters: Uncertain significance (2). Last evaluated 2026-05-24.

Conditions:
Birt-Hogg-Dube syndrome. Also called: Birt Hogg Dubé syndrome. Identifiers: Orphanet 122, MedGen C0346010, MONDO:0800444.
Hereditary cancer-predisposing syndrome. Also called: Hereditary neoplastic syndrome; Neoplastic Syndromes, Hereditary; Tumor predisposition; Hereditary Cancer Syndrome. Identifiers: Orphanet 140162, MedGen C0027672, MeSH D009386, MONDO:0015356.

Submissions (2):

Ambry Genetics
Classification: Uncertain significance for Hereditary cancer-predisposing syndrome. Last evaluated: 2026-05-24. Review status: criteria provided, single submitter. Criteria: Ambry Variant Classification Scheme 2023. Collection method: clinical testing. Allele origin: germline.
Comment: The p.H423Q variant (also known as c.1269C>A), located in coding exon 8 of the FLCN gene, results from a C to A substitution at nucleotide position 1269. The histidine at codon 423 is replaced by glutamine, an amino acid with highly similar properties. This amino acid position is conserved. In addition, this alteration is predicted to be tolerated by in silico analysis. Based on the available evidence, the clinical significance of this variant remains unclear.

Labcorp Genetics (formerly Invitae), Labcorp
Classification: Uncertain significance for Birt-Hogg-Dube syndrome. Last evaluated: 2025-08-25. Review status: criteria provided, single submitter. Criteria: Invitae Variant Classification Sherloc (09022015). Collection method: clinical testing. Allele origin: germline.
Comment: This sequence change replaces histidine, which is basic and polar, with glutamine, which is neutral and polar, at codon 423 of the FLCN protein (p.His423Gln). This variant is not present in population databases (gnomAD no frequency). This variant has not been reported in the literature in individuals affected with FLCN-related conditions. Invitae Evidence Modeling of protein sequence and biophysical properties (such as structural, functional, and spatial information, amino acid conservation, physicochemical variation, residue mobility, and thermodynamic stability) indicates that this missense variant is not expected to disrupt FLCN protein function with a negative predictive value of 80%. In summary, the available evidence is currently insufficient to determine the role of this variant in disease. Therefore, it has been classified as a Variant of Uncertain Significance.